The following is an entry in ClinVar:

ClinVar aggregate classification (germline): Uncertain significance (1 of 4 stars; one submission).

Submission:

CeGaT Center for Human Genetics Tuebingen
Classification: Uncertain significance. Last evaluated: 2026-02-01. Review status: criteria provided, single submitter. Criteria: CeGaT Center For Human Genetics Tuebingen Variant Classification Criteria Version 2. Collection method: clinical testing. Allele origin: germline. Affected: yes. Observed: 1 variant allele.
Comment: FN1: PM2, PP2

NM_212482.4(FN1):c.7102A>G (p.Thr2368Ala)

Genes: ATIC (5-aminoimidazole-4-carboxamide ribonucleotide formyltransferase/IMP cyclohydrolase; plus strand), FN1 (fibronectin 1; minus strand). Cytogenetic location: 2q35.
Variant type: single nucleotide variant.
Coding change: c.7102A>G on transcript NM_212482.4 (MANE Select); coding-DNA position 7102, A replaced by G.
Protein change: p.Thr2368Ala; replaces threonine 2368 with alanine.
Molecular consequence: missense variant.
Genome position (GRCh38, 1-based): chr2:215,365,547, T>C on the plus strand (A>G on the coding strand, the complement: FN1 is on the minus strand). VCF-style: chr2-215365547-T-C. GRCh37 (hg19) VCF-style: chr2-216230270-T-C.
Other names: c.6757A>G, p.Thr2253Ala (NM_001365519.2); c.6754A>G, p.Thr2252Ala (NM_001365520.2); c.6739A>G, p.Thr2247Ala (NM_001365521.2); c.6664A>G, p.Thr2222Ala (NM_001365522.2); c.6484A>G, p.Thr2162Ala (NM_001365523.2); c.6469A>G, p.Thr2157Ala (NM_001365524.2); c.6736A>G, p.Thr2246Ala (NM_002026.4); c.6199A>G, p.Thr2067Ala (NM_212474.3); and 8 more; short protein forms T2067A, T2131A, T2156A, T2157A, T2158A, T2162A, T2187A, T2221A.
Identifiers: ClinVar variation 4823576 (VCV004823576.4).
Genomic context (GRCh38, chr2:215,365,547, plus strand): 5'-TGATCTGTGATGACATACGAGGGTCACACTTGAATTCTCCTTTTCCGTTCCCAAGACATG[T>C]GCAGCTCATCATCTGGCCATTTTCTCCCTGACGGTCCCACTTCTCTCCAATCTTGTAGTT-3'
Protein context (NP_997647.2, residues 2358-2378): QGENGQMMSC[Thr2368Ala]CLGNGKGEFK